The following is an entry in ClinVar:

ClinVar aggregate classification (germline): Likely benign. Review status: criteria provided, multiple submitters, no conflicts (2 of 4 stars). 3 submissions from 3 submitters: Likely benign (3). Last evaluated 2026-05-24.

Conditions:
Orofaciodigital syndrome I (OFD1). Also called: Papillon-Leage and Psaume Syndrome; OFDS I; Oral-Facial-Digital Syndrome Type I. Identifiers: Orphanet 2750, MedGen C1510460, MONDO:0010702, OMIM 311200.
Joubert syndrome. Also called: Familial aplasia of the vermis; JOUBERT-BOLTSHAUSER SYNDROME. Identifiers: Orphanet 475, MedGen C5979921, MONDO:0018772.
OFD1-related disorder. Also called: OFD1-related condition.
Primary ciliary dyskinesia. Also called: Ciliary dyskinesia. Identifiers: Orphanet 244, MedGen C0008780, MONDO:0016575, HP:0012265.

Allele frequency attached by ClinVar (database versions not stated): gnomAD below 0.00001 and 0.00001; gnomAD exomes 0.00001 and 0.00005; TOPMed 0.00003; ExAC 0.00005.

Submissions (3):

PreventionGenetics, part of Exact Sciences
Classification: Likely benign for OFD1-related condition. Last evaluated: 2026-05-24. Review status: criteria provided, single submitter. Criteria: ACMG Guidelines, 2015. Collection method: clinical testing. Allele origin: germline.
Comment: This variant is classified as likely benign based on ACMG/AMP sequence variant interpretation guidelines (Richards et al. 2015 PMID: 25741868, with internal and published modifications).

Labcorp Genetics (formerly Invitae), Labcorp
Classification: Likely benign for Orofaciodigital syndrome I; Joubert syndrome. Last evaluated: 2025-02-18. Review status: criteria provided, single submitter. Criteria: Invitae Variant Classification Sherloc (09022015). Collection method: clinical testing. Allele origin: germline.

Ambry Genetics
Classification: Likely benign for Primary ciliary dyskinesia. Last evaluated: 2016-11-21. Review status: criteria provided, single submitter. Criteria: Ambry Variant Classification Scheme 2023. Collection method: clinical testing. Allele origin: germline.

NM_003611.3(OFD1):c.2061G>A (p.Pro687=)

Gene: OFD1 (OFD1 centriole and centriolar satellite protein; plus strand). Cytogenetic location: Xp22.2.
Variant type: single nucleotide variant.
Coding change: c.2061G>A on transcript NM_003611.3 (MANE Select); coding-DNA position 2061, G replaced by A.
Protein change: p.Pro687=; no amino-acid change (proline 687 retained).
Molecular consequence: synonymous variant.
Genome position (GRCh38, 1-based): chrX:13,760,521, G>A. VCF-style: chrX-13760521-G-A. GRCh37 (hg19) VCF-style: chrX-13778640-G-A.
Other names: c.1941G>A, p.Pro647= (NM_001330209.2); c.1641G>A, p.Pro547= (NM_001330210.2).
Identifiers: ClinVar variation 588479 (VCV000588479.14), dbSNP rs757923355, ClinGen allele CA10351925.
Genomic context (GRCh38, chrX:13,760,521, plus strand): 5'-AAAGAGCCCACCATCTCTGCACTTGCTGGAAGCCTTCAAAAACATTACTTCCAGTTCCCC[G>A]GAAAGACATATTTTTGGAGAGGACAGAGTTGTCTCTGAGCAGCCTCAAGTGGGCACACTT-3'
Protein context (NP_003602.1, residues 677-697): EAFKNITSSS[Pro687=]ERHIFGEDRV